The following is an entry in ClinVar:

ClinVar aggregate classification (germline): Pathogenic/Likely pathogenic. Review status: criteria provided, multiple submitters, no conflicts (2 of 4 stars). 3 submissions from 3 submitters: Pathogenic (1); Likely pathogenic (2). Last evaluated 2023-11-01.

Conditions:
Osteopetrosis with renal tubular acidosis (OPTB3). Also called: Autosomal recessive osteopetrosis 3. Identifiers: Orphanet 2785, MedGen C0345407, MONDO:0009818, OMIM 259730.

Submissions (3):

CeGaT Center for Human Genetics Tuebingen
Classification: Likely pathogenic. Last evaluated: 2023-11-01. Review status: criteria provided, single submitter. Criteria: CeGaT Center For Human Genetics Tuebingen Variant Classification Criteria Version 2. Collection method: clinical testing. Allele origin: germline. Affected: yes. Observed: 1 variant allele.
Comment: CA2: PVS1:Strong, PM2, PM3

GeneDx
Classification: Likely pathogenic. Last evaluated: 2022-06-26. Review status: criteria provided, single submitter. Criteria: GeneDx Variant Classification Process June 2021. Collection method: clinical testing. Allele origin: germline. Affected: yes.
Comment: Frameshift variant predicted to result in protein truncation, as the last 50 amino acids are replaced with 13 different amino acids, and other loss-of-function variants have been reported downstream in HGMD.; Not observed at significant frequency in large population cohorts (gnomAD); This variant is associated with the following publications: (PMID: 11264157)

Baylor Genetics
Classification: Pathogenic for Osteopetrosis with renal tubular acidosis. Last evaluated: 2022-06-22. Review status: criteria provided, single submitter. Criteria: ACMG Guidelines, 2015. Collection method: clinical testing. Allele origin: unknown.

NM_000067.3(CA2):c.630_641delinsCACA (p.Leu211fs)

Gene: CA2 (carbonic anhydrase 2; plus strand). Cytogenetic location: 8q21.2.
Variant type: Indel.
Coding change: c.630_641delinsCACA on transcript NM_000067.3 (MANE Select); coding-DNA positions 630 to 641, GCTCAAGGAACC replaced by CACA.
Protein change: p.Leu211fs; shifts the reading frame from leucine 211.
Molecular consequence: frameshift variant.
Genome position (GRCh38, 1-based): chr8:85,477,242-85,477,253, GCTCAAGGAACC replaced by CACA. VCF-style: chr8-85477242-GCTCAAGGAACC-CACA. GRCh37 (hg19) VCF-style: chr8-86389471-GCTCAAGGAACC-CACA.
Other names: c.327_338delinsCACA, p.Leu110fs (NM_001293675.2); short protein forms L110fs, L211fs.
Identifiers: ClinVar variation 1810040 (VCV001810040.25), dbSNP rs2536489640, ClinGen allele CA2580078958.